The following is an entry in ClinVar:

ClinVar aggregate classification (germline): Benign/Likely benign. Review status: criteria provided, multiple submitters, no conflicts (2 of 4 stars). 12 submissions from 12 submitters: Benign (1); Likely benign (9). 2 of the submissions do not count toward it. Last evaluated 2026-02-03.

Conditions:
Melnick-Needles syndrome (MNS). Also called: MELNICK-NEEDLES OSTEODYSPLASTY; Melnick-Needles Syndrome (FLNA-MNS); OSTEODYSPLASTY OF MELNICK AND NEEDLES. Identifiers: Orphanet 2484, MedGen C0025237, MONDO:0010650, OMIM 309350.
Heterotopia, periventricular, X-linked dominant (PVNH1). Also called: PERIVENTRICULAR NODULAR HETEROTOPIA 4; HETEROTOPIA, PERIVENTRICULAR, 1; X-linked periventricular heterotopia; PERIVENTRICULAR NODULAR HETEROTOPIA 1. Identifiers: Orphanet 2149, Orphanet 82004, MedGen C1848213, MONDO:0010233, OMIM 300049.
Oto-palato-digital syndrome, type II (OPD2). Also called: FACIOPALATOOSSEOUS SYNDROME; Otopalatodigital Syndrome, Type II; Otopalatodigital Syndrome Type 2 (FLNA-OPD2); OPD II SYNDROME. Identifiers: Orphanet 669, Orphanet 90652, MedGen C1844696, MONDO:0010571, OMIM 304120.
Frontometaphyseal dysplasia (FMD1). Identifiers: Orphanet 1826, MedGen C0265293, MONDO:0015942.
FG syndrome 2 (FGS2). Identifiers: MedGen C1845902, MONDO:0010297, OMIM 300321.
Intestinal pseudoobstruction, neuronal, chronic idiopathic, X-linked (CIIPX). Also called: FLNA-Related Periventricular Nodular Heterotopia (FLNA-Related PVNH; Huttenlocher Syndrome); CONGENITAL IDIOPATHIC INTESTINAL PSEUDOOBSTRUCTION; INTESTINAL PSEUDOOBSTRUCTION, NEURONAL, CHRONIC IDIOPATHIC, WITH CENTRAL NERVOUS SYSTEM INVOLVEMENT. Identifiers: Orphanet 2301, MedGen C2746068, MONDO:0010232, OMIM 300048.
Cardiac valvular dysplasia, X-linked (CVDPX). Also called: Congenital valvular dysplasia; Isolated X-Linked Cardiac Valvular Dysplasia; FLNA-Related X-linked Cardiac Valvular Dysplasia; MYXOMATOUS VALVULAR DYSTROPHY, X-LINKED; VALVULAR HEART DISEASE, CONGENITAL. Identifiers: Orphanet 1864, Orphanet 555877, Orphanet 75497, MedGen C0262436, MONDO:0010753, OMIM 314400.
Oto-palato-digital syndrome, type I (OPD1). Also called: Otopalatodigital Syndrome, Type I; Taybi syndrome; Otopalatodigital Syndrome Type 1 (FLNA-OPD1); OPD I SYNDROME; OPD SYNDROME 1. Identifiers: Orphanet 669, Orphanet 90650, MedGen C0265251, MONDO:0010704, OMIM 311300.
Terminal osseous dysplasia-pigmentary defects syndrome. Also called: Terminal Osseous Dysplasia (FLNA-TOD); ODPD; TERMINAL OSSEOUS DYSPLASIA AND PIGMENTARY DEFECTS; ODPF SYNDROME; OSSEOUS DYSPLASIA, DIGITAL, WITH FACIAL PIGMENTARY DEFECTS AND MULTIPLE FRENULA. Identifiers: Orphanet 88630, MedGen C1846129, MONDO:0010279, OMIM 300244.
Frontometaphyseal dysplasia 1 (FMD1). Also called: Frontometaphyseal Dysplasia (FLNA-FMD). Identifiers: Orphanet 1826, MedGen C4281559, MONDO:0024550, OMIM 305620.
Familial thoracic aortic aneurysm and aortic dissection (TAAD). Also called: Thoracic aortic aneurysms and dissections. Identifiers: Orphanet 91387, MedGen C4707243, MONDO:0019625.

Allele frequency attached by ClinVar (database versions not stated): gnomAD exomes 0.00003 and 0.00012; gnomAD 0.00012 and 0.00013; ExAC 0.00015; TOPMed 0.00016.
gnomAD v4.1: 164 of 1,210,678 alleles (0.014%); highest among the groups gnomAD compares: East Asian, 0.11%; 3 homozygotes.

Submissions (12):

Labcorp Genetics (formerly Invitae), Labcorp
Classification: Likely benign for Oto-palato-digital syndrome, type II; Heterotopia, periventricular, X-linked dominant; Frontometaphyseal dysplasia; Melnick-Needles syndrome. Last evaluated: 2026-02-03. Review status: criteria provided, single submitter. Criteria: Invitae Variant Classification Sherloc (09022015). Collection method: clinical testing. Allele origin: germline.

Mayo Clinic Laboratories, Mayo Clinic
Classification: Benign. Last evaluated: 2025-09-30. Review status: criteria provided, single submitter. Criteria: ACMG Guidelines, 2015. Collection method: clinical testing. Allele origin: germline. Observed: 3 variant alleles.
Comment: BS1, BS2, BP4

Blueprint Genetics
Classification: Likely benign. Last evaluated: 2024-11-08. Review status: criteria provided, single submitter. Criteria: ACMG Guidelines, 2015. Collection method: clinical testing. Allele origin: germline.

ARUP Laboratories, Molecular Genetics and Genomics, ARUP Laboratories
Classification: Likely benign. Last evaluated: 2023-09-14. Review status: criteria provided, single submitter. Criteria: ARUP Molecular Germline Variant Investigation Process 2024. Collection method: clinical testing. Allele origin: germline.

Women's Health and Genetics/Laboratory Corporation of America, LabCorp
Classification: Likely benign. Last evaluated: 2023-07-21. Review status: criteria provided, single submitter. Criteria: LabCorp Variant Classification Summary - May 2015. Collection method: clinical testing. Allele origin: germline.

CeGaT Center for Human Genetics Tuebingen
Classification: Likely benign. Last evaluated: 2023-02-01. Review status: criteria provided, single submitter. Criteria: CeGaT Center For Human Genetics Tuebingen Variant Classification Criteria Version 2. Collection method: clinical testing. Allele origin: germline. Affected: yes. Observed: 1 variant allele.
Comment: FLNA: PP2, BS2

GeneDx
Classification: Likely benign. Last evaluated: 2021-02-15. Review status: criteria provided, single submitter. Criteria: GeneDx Variant Classification Process June 2021. Collection method: clinical testing. Allele origin: germline. Affected: yes.

Genetic Services Laboratory, University of Chicago
Classification: Likely benign. Last evaluated: 2019-05-20. Review status: criteria provided, single submitter. Criteria: ACMG Guidelines, 2015. Collection method: clinical testing. Allele origin: germline. Affected: no.

Ambry Genetics
Classification: Likely benign for Familial thoracic aortic aneurysm and aortic dissection. Last evaluated: 2018-07-19. Review status: criteria provided, single submitter. Criteria: Ambry Variant Classification Scheme 2023. Collection method: clinical testing. Allele origin: germline.

Center for Genomics, Ann and Robert H. Lurie Children's Hospital of Chicago
Classification: Likely benign for Oto-palato-digital syndrome, type II; Intestinal pseudoobstruction, neuronal, chronic idiopathic, X-linked; Cardiac valvular dysplasia, X-linked; FG syndrome 2; Melnick-Needles syndrome; Terminal osseous dysplasia-pigmentary defects syndrome; Oto-palato-digital syndrome, type I; Heterotopia, periventricular, X-linked dominant; Frontometaphyseal dysplasia 1. Review status: criteria provided, single submitter. Criteria: ACMG Guidelines, 2015. Collection method: clinical testing. Allele origin: germline.
Comment: FLNA NM_001110556.1 exon 39 p.Asn2117Ser (c.6350A>G): This variant has not been reported in the literature but is present in 0.1% (21/13892) of East Asian alleles including 1 homozygote and 5 hemizygotes, in the Genome Aggregation Database. This variant is present in ClinVar (Variation ID:213481). This variant amino acid Asparagine (Asn) is present in several bird and reptile species; this suggests that this variant may not impact the protein. Additional computational prediction tools are unclear. In summary, data on this variant is insufficient for disease classification. Therefore, the clinical significance of this variant is uncertain.

Clinical Genetics DNA and cytogenetics Diagnostics Lab, Erasmus MC, Erasmus Medical Center
Classification: Likely benign. Review status: no assertion criteria provided. Collection method: clinical testing. Allele origin: germline. Affected: yes. Study: VKGL Data-share Consensus. Not counted in ClinVar's aggregate classification.

Genome Diagnostics Laboratory, University Medical Center Utrecht
Classification: Likely benign. Review status: no assertion criteria provided. Collection method: clinical testing. Allele origin: germline. Affected: yes. Study: VKGL Data-share Consensus. Not counted in ClinVar's aggregate classification.

Literature cited by the submitters: PubMed 33924653 (cited by Mayo Clinic Laboratories, Mayo Clinic).

NM_001110556.2(FLNA):c.6350A>G (p.Asn2117Ser)

Gene: FLNA (filamin A; minus strand). Cytogenetic location: Xq28.
Variant type: single nucleotide variant.
Coding change: c.6350A>G on transcript NM_001110556.2 (MANE Select); coding-DNA position 6350, A replaced by G.
Protein change: p.Asn2117Ser; replaces asparagine 2117 with serine.
Molecular consequence: missense variant.
Genome position (GRCh38, 1-based): chrX:154,352,801, T>C on the plus strand (A>G on the coding strand, the complement: FLNA is on the minus strand). VCF-style: chrX-154352801-T-C. GRCh37 (hg19) VCF-style: chrX-153581169-T-C.
Other names: p.N2109S:AAC>AGC; p.Asn2109Ser; c.6326A>G, p.Asn2109Ser (NM_001456.4); short protein forms N2109S, N2117S.
Identifiers: ClinVar variation 213481 (VCV000213481.59), dbSNP rs375205247, ClinGen allele CA322732.